The following is an entry in ClinVar:

ClinVar aggregate classification (germline): Uncertain significance. Review status: criteria provided, multiple submitters, no conflicts (2 of 4 stars). 2 submissions from 2 submitters: Uncertain significance (2). Last evaluated 2024-08-01.

Conditions:
Microcephaly, normal intelligence and immunodeficiency (NBS). Also called: Nijmegen breakage syndrome; Microcephaly with normal intelligence immunodeficiency and lymphoreticular malignancies; Nonsyndromal microcephaly autosomal recessive with normal intelligence; Seemanova syndrome 2; Immunodeficiency, microcephaly with normal intelligence; Ataxia telangiectasia variant V1. Identifiers: Orphanet 647, MedGen C0398791, MONDO:0009623, OMIM 251260.
Hereditary cancer-predisposing syndrome. Also called: Hereditary Cancer Syndrome; Neoplastic Syndromes, Hereditary; Hereditary neoplastic syndrome; Tumor predisposition. Identifiers: Orphanet 140162, MedGen C0027672, MeSH D009386, MONDO:0015356.

Submissions (2):

Labcorp Genetics (formerly Invitae), Labcorp
Classification: Uncertain significance for Microcephaly, normal intelligence and immunodeficiency. Last evaluated: 2024-08-01. Review status: criteria provided, single submitter. Criteria: Invitae Variant Classification Sherloc (09022015). Collection method: clinical testing. Allele origin: germline.
Comment: This sequence change replaces proline, which is neutral and non-polar, with threonine, which is neutral and polar, at codon 340 of the NBN protein (p.Pro340Thr). This variant is not present in population databases (gnomAD no frequency). This variant has not been reported in the literature in individuals affected with NBN-related conditions. ClinVar contains an entry for this variant (Variation ID: 818271). An algorithm developed to predict the effect of missense changes on protein structure and function (PolyPhen-2) suggests that this variant is likely to be disruptive. In summary, the available evidence is currently insufficient to determine the role of this variant in disease. Therefore, it has been classified as a Variant of Uncertain Significance.

Ambry Genetics
Classification: Uncertain significance for Hereditary cancer-predisposing syndrome. Last evaluated: 2018-09-27. Review status: criteria provided, single submitter. Criteria: Ambry Variant Classification Scheme 2023. Collection method: clinical testing. Allele origin: germline.
Comment: The p.P340T variant (also known as c.1018C>A), located in coding exon 9 of the NBN gene, results from a C to A substitution at nucleotide position 1018. The proline at codon 340 is replaced by threonine, an amino acid with highly similar properties. This amino acid position is well conserved in available vertebrate species. In addition, this alteration is predicted to be tolerated by in silico analysis. Since supporting evidence is limited at this time, the clinical significance of this alteration remains unclear.

NM_002485.5(NBN):c.1018C>A (p.Pro340Thr)

Gene: NBN (nibrin; minus strand). Cytogenetic location: 8q21.3.
Variant type: single nucleotide variant.
Coding change: c.1018C>A on transcript NM_002485.5 (MANE Select); coding-DNA position 1018, C replaced by A.
Protein change: p.Pro340Thr; replaces proline 340 with threonine.
Molecular consequence: missense variant.
Genome position (GRCh38, 1-based): chr8:89,958,831, G>T on the plus strand (C>A on the coding strand, the complement: NBN is on the minus strand). VCF-style: chr8-89958831-G-T. GRCh37 (hg19) VCF-style: chr8-90971059-G-T.
Other names: c.772C>A, p.Pro258Thr (NM_001024688.3); short protein forms P340T, P258T.
Identifiers: ClinVar variation 818271 (VCV000818271.6), dbSNP rs1586066127, ClinGen allele CA371656776.